The following is an entry in ClinVar:

NM_001184900.3(CARD8):c.266dup (p.Gln90fs)

Gene: CARD8 (caspase recruitment domain family member 8; minus strand). Cytogenetic location: 19q13.33.
Variant type: Duplication.
Coding change: c.266dup on transcript NM_001184900.3 (MANE Select); coding-DNA position 266, one base duplicated (T; older notation c.266dupT).
Protein change: p.Gln90fs; shifts the reading frame from glutamine 90.
Molecular consequence: frameshift variant. On other transcripts: 5 prime UTR variant (6), non-coding transcript variant (4).
Genome position (GRCh38, 1-based): chr19:48,234,487, A duplicated on the plus strand (T on the coding strand, the reverse complement: CARD8 is on the minus strand); the first of 6 consecutive A bases (chr19:48,234,487-48,234,492); duplicating any one gives the same sequence. VCF-style (leftmost placement, unchanged base first): chr19-48234486-G-GA. GRCh37 (hg19) VCF-style: chr19-48737743-G-GA.
Other names: c.116dup, p.Gln40fs (NM_001184901.1, NM_001351783.2, NM_001351788.2 and 2 more transcripts); c.266dup, p.Gln90fs (NM_001184902.2, NM_001184903.1, NM_001351782.2); c.-9dup (NM_001351784.2, NM_001351787.2, NM_001351791.2 and 2 more transcripts); c.-223dup (NM_001351786.2); c.64dup, p.Ser22fs (NM_001351790.2); short protein forms Q40fs, Q90fs, S22fs.
Identifiers: ClinVar variation 2635044 (VCV002635044.3), dbSNP rs769053445, ClinGen allele CA9548110.

ClinVar aggregate classification (germline): Uncertain significance. Review status: criteria provided, single submitter (1 of 4 stars). 2 submissions from 2 submitters: Uncertain significance (1). 1 of the submissions does not count toward it. Last evaluated 2025-05-08.

Conditions:
CARD8-related disorder. Also called: CARD8-related condition.

Submissions (2):

Labcorp Genetics (formerly Invitae), Labcorp
Classification: Uncertain significance. Last evaluated: 2025-05-08. Review status: criteria provided, single submitter. Criteria: Invitae Variant Classification Sherloc (09022015). Collection method: clinical testing. Allele origin: germline.
Comment: This sequence change creates a premature translational stop signal (p.Gln40Profs*4) in the CARD8 gene. It is expected to result in an absent or disrupted protein product. However, the current clinical and genetic evidence is not sufficient to establish whether loss-of-function variants in CARD8 cause disease. This variant is not present in population databases (gnomAD no frequency). This variant has not been reported in the literature in individuals affected with CARD8-related conditions. ClinVar contains an entry for this variant (Variation ID: 2635044). In summary, the available evidence is currently insufficient to determine the role of this variant in disease. Therefore, it has been classified as a Variant of Uncertain Significance.

PreventionGenetics, part of Exact Sciences
Classification: Uncertain significance for CARD8-related condition. Last evaluated: 2024-03-11. Review status: no assertion criteria provided. Collection method: clinical testing. Allele origin: germline. Not counted in ClinVar's aggregate classification.
Comment: The CARD8 c.266dupT variant is predicted to result in a frameshift and premature protein termination (p.Gln90Profs*4). To our knowledge, this variant has not been reported in the literature. This variant is reported in 0.0054% of alleles in individuals of East Asian descent in gnomAD. At this time, the clinical significance of this variant is uncertain due to the absence of conclusive functional and genetic evidence.